The following is an entry in ClinVar:

ClinVar aggregate classification (germline): Pathogenic. Review status: criteria provided, multiple submitters, no conflicts (2 of 4 stars). 4 submissions from 3 submitters: Pathogenic (2). 2 of the submissions do not count toward it. Last evaluated 2025-03-14.

Conditions:
Hydrocephalus, congenital, 3, with brain anomalies. Also called: HYDROCEPHALUS, NONSYNDROMIC, AUTOSOMAL RECESSIVE 3. Identifiers: MedGen C4747885, MONDO:0054794, OMIM 617967.
Cerebellar ataxia, impaired intellectual development, and dysequilibrium syndrome 2. Also called: Cerebellar ataxia, intellectual disability, and dysequilibrium syndrome 2; CEREBELLAR ATAXIA, MENTAL RETARDATION, AND DYSEQUILIBRIUM SYNDROME 2; CEREBELLAR ATAXIA AND MENTAL RETARDATION WITH OR WITHOUT QUADRUPEDAL LOCOMOTION 2. Identifiers: Orphanet 1766, MedGen C2750234, MONDO:0012430, OMIM 610185.

Allele frequency attached by ClinVar (database versions not stated): gnomAD exomes below 0.00001; ExAC 0.00001.

Submissions (4):

First Genomix Gene Laboratory, Genetic Diagnostics Department
Classification: Pathogenic for Cerebellar ataxia, impaired intellectual development, and dysequilibrium syndrome 2; Hydrocephalus, congenital, 3, with brain anomalies. Last evaluated: 2025-03-14. Review status: criteria provided, single submitter. Criteria: ACMG Guidelines, 2015. Collection method: clinical testing. Allele origin: germline. Inheritance: Autosomal recessive inheritance. Affected: no. Observed: 1 variant allele.

Genomic Medicine Center of Excellence, King Faisal Specialist Hospital and Research Centre
Classification: Pathogenic for Cerebellar ataxia, impaired intellectual development, and dysequilibrium syndrome 2. Last evaluated: 2024-03-17. Review status: criteria provided, single submitter. Criteria: ACMG Guidelines, 2015. Collection method: research. Allele origin: germline.

OMIM
Classification: Pathogenic for HYDROCEPHALUS, CONGENITAL, 3, WITH BRAIN ANOMALIES. Last evaluated: 2018-07-10. Review status: no assertion criteria provided. Collection method: literature only. Allele origin: germline. Not counted in ClinVar's aggregate classification.

Genomic Medicine Center of Excellence, King Faisal Specialist Hospital and Research Centre
Classification: Likely pathogenic. Review status: flagged submission. Criteria: ACMG Guidelines, 2015. Collection method: research. Allele origin: germline. Affected: yes. Not counted in ClinVar's aggregate classification.
ClinVar note: Reason: This record appears to be redundant with a more recent record from the same submitter.
ClinVar note: Notes: SCV000221681 appears to be redundant with SCV004804898.

Literature cited by the submitters: PubMed 28556411 (cited by OMIM).

NM_001163809.2(WDR81):c.3286C>T (p.Gln1096Ter)

Gene: WDR81 (WD repeat domain 81; plus strand). Cytogenetic location: 17p13.3.
Variant type: single nucleotide variant.
Coding change: c.3286C>T on transcript NM_001163809.2 (MANE Select); coding-DNA position 3286, C replaced by T.
Protein change: p.Gln1096Ter; replaces glutamine 1096 with a stop codon.
Molecular consequence: nonsense. On other transcripts: intron variant (2).
Genome position (GRCh38, 1-based): chr17:1,728,245, C>T. VCF-style: chr17-1728245-C-T. GRCh37 (hg19) VCF-style: chr17-1631539-C-T.
Other names: c.133C>T, p.Gln45Ter (NM_152348.4); c.59-2135C>T (NM_001163673.2); c.-14-2135C>T (NM_001163811.2); short protein forms Q1096*, Q45*.
Identifiers: ClinVar variation 191291 (VCV000191291.5), dbSNP rs770279237, ClinGen allele CA236404.